The following is an entry in ClinVar:

ClinVar aggregate classification (germline): Likely benign (1 of 4 stars; one submission).

gnomAD v4.1: 3 of 1,602,044 alleles (0.00019%); highest among the groups gnomAD compares: Non-Finnish European, 0.00026%; no homozygotes.

Submission:

Molecular Diagnostic Laboratory for Inherited Cardiovascular Disease, Montreal Heart Institute
Classification: Likely benign. Last evaluated: 2025-04-09. Review status: criteria provided, single submitter. Criteria: ACMG Guidelines, 2015. Collection method: clinical testing. Allele origin: germline. Affected: no.
Comment: BP1;BP4

NM_001267550.2(TTN):c.20537G>A (p.Cys6846Tyr)

Gene: TTN (titin; minus strand). Cytogenetic location: 2q31.2.
Variant type: single nucleotide variant.
Coding change: c.20537G>A on transcript NM_001267550.2 (MANE Select); coding-DNA position 20537, G replaced by A.
Protein change: p.Cys6846Tyr; replaces cysteine 6846 with tyrosine.
Molecular consequence: missense variant. On other transcripts: intron variant (3).
Genome position (GRCh38, 1-based): chr2:178,725,785, C>T on the plus strand (G>A on the coding strand, the complement: TTN is on the minus strand). VCF-style: chr2-178725785-C-T. GRCh37 (hg19) VCF-style: chr2-179590512-C-T.
Other names: c.19586G>A, p.Cys6529Tyr (NM_001256850.1); c.16805G>A, p.Cys5602Tyr (NM_133378.4); c.13282+12297G>A (NM_003319.4); c.13858+12297G>A (NM_133437.4); c.13657+12297G>A (NM_133432.3); short protein forms C5602Y, C6529Y, C6846Y.
Identifiers: ClinVar variation 3895253 (VCV003895253.1), dbSNP rs947572697.